The following is an entry in ClinVar:

NM_015065.3(EXPH5):c.1573G>T (p.Val525Phe)

Gene: EXPH5 (exophilin 5; minus strand). Cytogenetic location: 11q22.3.
Variant type: single nucleotide variant.
Coding change: c.1573G>T on transcript NM_015065.3 (MANE Select); coding-DNA position 1573, G replaced by T.
Protein change: p.Val525Phe; replaces valine 525 with phenylalanine.
Molecular consequence: missense variant.
Genome position (GRCh38, 1-based): chr11:108,513,934, C>A on the plus strand (G>T on the coding strand, the complement: EXPH5 is on the minus strand). VCF-style: chr11-108513934-C-A. GRCh37 (hg19) VCF-style: chr11-108384661-C-A.
Other names: c.1345G>T, p.Val449Phe (NM_001144763.2); c.1105G>T, p.Val369Phe (NM_001144764.2); c.1009G>T, p.Val337Phe (NM_001144765.2); c.1552G>T, p.Val518Phe (NM_001308019.2); short protein forms V337F, V369F, V449F, V518F, V525F.
Identifiers: ClinVar variation 1599077 (VCV001599077.10), dbSNP rs12146448, ClinGen allele CA6268004.

ClinVar aggregate classification (germline): Benign/Likely benign. Review status: criteria provided, multiple submitters, no conflicts (2 of 4 stars). 3 submissions from 3 submitters: Benign (2); Likely benign (1). Last evaluated 2026-01-16.

Allele frequency attached by ClinVar (database versions not stated): 1000 Genomes Project 30x 0.01796; 1000 Genomes Project 0.01837; gnomAD 0.02393; TOPMed 0.02394; ESP Exome Variant Server 0.02877.
gnomAD v4.1: 54,563 of 1,607,610 alleles (3.4%); highest among the groups gnomAD compares: Non-Finnish European, 3.9%; 1,069 homozygotes.

Submissions (3):

Labcorp Genetics (formerly Invitae), Labcorp
Classification: Benign. Last evaluated: 2026-01-16. Review status: criteria provided, single submitter. Criteria: Invitae Variant Classification Sherloc (09022015). Collection method: clinical testing. Allele origin: germline.

GeneDx
Classification: Likely benign. Last evaluated: 2022-05-09. Review status: criteria provided, single submitter. Criteria: GeneDx Variant Classification Process June 2021. Collection method: clinical testing. Allele origin: germline. Affected: yes.
Comment: See Variant Classification Assertion Criteria.

Breakthrough Genomics
Classification: Benign. Review status: criteria provided, single submitter. Criteria: ACMG Guidelines, 2015. Collection method: not provided. Allele origin: germline. Inheritance: Autosomal recessive inheritance. Affected: yes.